The following is an entry in ClinVar:

ClinVar aggregate classification (germline): Uncertain significance. Review status: criteria provided, multiple submitters, no conflicts (2 of 4 stars). 2 submissions from 2 submitters: Uncertain significance (2). Last evaluated 2024-01-20.

Conditions:
Hypercalcemia, infantile, 2 (HCINF2). Identifiers: Orphanet 300547, MedGen C4310473, MONDO:0014851, OMIM 616963.
Hypophosphatemic nephrolithiasis/osteoporosis 1. Identifiers: Orphanet 244305, MedGen C2676786, MONDO:0012850, OMIM 612286.
Fanconi renotubular syndrome 2 (FRTS2). Identifiers: MedGen C3150652, MONDO:0013247, OMIM 613388.

Allele frequency attached by ClinVar (database versions not stated): gnomAD 0.00001; TOPMed 0.00002.
gnomAD v4.1: 4 of 1,613,950 alleles (0.00025%); highest among the groups gnomAD compares: African/African-American, 0.0013%; no homozygotes.

Submissions (2):

Fulgent Genetics
Classification: Uncertain significance for Hypophosphatemic nephrolithiasis/osteoporosis 1; Fanconi renotubular syndrome 2; Hypercalcemia, infantile, 2. Last evaluated: 2024-01-20. Review status: criteria provided, single submitter. Criteria: ACMG Guidelines, 2015. Collection method: clinical testing. Allele origin: germline.

Labcorp Genetics (formerly Invitae), Labcorp
Classification: Uncertain significance. Last evaluated: 2021-08-28. Review status: criteria provided, single submitter. Criteria: Invitae Variant Classification Sherloc (09022015). Collection method: clinical testing. Allele origin: germline.
Comment: This sequence change replaces valine with isoleucine at codon 542 of the SLC34A1 protein (p.Val542Ile). The valine residue is highly conserved and there is a small physicochemical difference between valine and isoleucine. This variant is not present in population databases (ExAC no frequency). This variant has not been reported in the literature in individuals affected with SLC34A1-related conditions. Algorithms developed to predict the effect of missense changes on protein structure and function are either unavailable or do not agree on the potential impact of this missense change (SIFT: "Deleterious"; PolyPhen-2: "Benign"; Align-GVGD: "Class C0"). In summary, the available evidence is currently insufficient to determine the role of this variant in disease. Therefore, it has been classified as a Variant of Uncertain Significance.

NM_003052.5(SLC34A1):c.1624G>A (p.Val542Ile)

Gene: SLC34A1 (solute carrier family 34 member 1; plus strand). Cytogenetic location: 5q35.3.
Variant type: single nucleotide variant.
Coding change: c.1624G>A on transcript NM_003052.5 (MANE Select); coding-DNA position 1624, G replaced by A.
Protein change: p.Val542Ile; replaces valine 542 with isoleucine.
Molecular consequence: missense variant.
Genome position (GRCh38, 1-based): chr5:177,397,990, G>A. VCF-style: chr5-177397990-G-A. GRCh37 (hg19) VCF-style: chr5-176824991-G-A.
Other names: short protein forms V542I.
Identifiers: ClinVar variation 961748 (VCV000961748.9), dbSNP rs758639329, ClinGen allele CA132830144.